The following is an entry in ClinVar:

NM_001267550.2(TTN):c.27714G>A (p.Trp9238Ter)

Gene: TTN (titin; minus strand). Cytogenetic location: 2q31.2.
Variant type: single nucleotide variant.
Coding change: c.27714G>A on transcript NM_001267550.2 (MANE Select); coding-DNA position 27714, G replaced by A.
Protein change: p.Trp9238Ter; replaces tryptophan 9238 with a stop codon.
Molecular consequence: nonsense. On other transcripts: intron variant (3).
Genome position (GRCh38, 1-based): chr2:178,712,116, C>T on the plus strand (G>A on the coding strand, the complement: TTN is on the minus strand). VCF-style: chr2-178712116-C-T. GRCh37 (hg19) VCF-style: chr2-179576843-C-T.
Other names: c.26763G>A, p.Trp8921Ter (NM_001256850.1); c.23982G>A, p.Trp7994Ter (NM_133378.4); c.13282+25966G>A (NM_003319.4); c.13858+25966G>A (NM_133437.4); c.13657+25966G>A (NM_133432.3); short protein forms W7994*, W8921*, W9238*.
Identifiers: ClinVar variation 2950347 (VCV002950347.3), dbSNP rs2076743263, ClinGen allele CA349448800.
Genomic context (GRCh38, chr2:178,712,116, plus strand): 5'-ATTATTCCTAAAATGCATTTTGTAAGTCGTAGTGGGTCTCAATTTTGTATCTCCTTTATA[C>T]CAGGATACCCCAATTTCAGGGGTTCCAGCAAGCTGGCATTGTAGAGAGGCAGAATCTCCA-3'

ClinVar aggregate classification (germline): Likely pathogenic (1 of 4 stars; one submission).

Conditions:
Dilated cardiomyopathy 1G (CMD1G). Identifiers: Orphanet 154, MedGen C1858763, MONDO:0011400, OMIM 604145.
Autosomal recessive limb-girdle muscular dystrophy type 2J (LGMDR10). Also called: Limb-girdle muscular dystrophy, type 2J; MUSCULAR DYSTROPHY, LIMB-GIRDLE, AUTOSOMAL RECESSIVE 10. Identifiers: Orphanet 140922, MedGen C1837342, MONDO:0012127, OMIM 608807.

Submission:

Labcorp Genetics (formerly Invitae), Labcorp
Classification: Likely pathogenic for Dilated cardiomyopathy 1G; Autosomal recessive limb-girdle muscular dystrophy type 2J. Last evaluated: 2024-10-18. Review status: criteria provided, single submitter. Criteria: Invitae Variant Classification Sherloc (09022015). Collection method: clinical testing. Allele origin: germline.
Comment: This sequence change creates a premature translational stop signal (p.Trp9238*) in the TTN gene. While this is not anticipated to result in nonsense mediated decay, it is expected to create a truncated TTN protein. This variant is not present in population databases (gnomAD no frequency). This variant has not been reported in the literature in individuals affected with TTN-related conditions. This variant is located in the I band of TTN (PMID: 25589632). Truncating variants in this region have been reported in individuals affected with autosomal recessive centronuclear myopathy (PMID: 23975875, internal data). Truncating variants in this region have also been identified in individuals affected with autosomal dominant dilated cardiomyopathy and/or cardio-related conditions (PMID: 27869827, 32964742, internal data). In summary, the currently available evidence indicates that the variant is pathogenic, but additional data are needed to prove that conclusively. Therefore, this variant has been classified as Likely Pathogenic.

Literature cited by the submitters: PubMed 25589632; PubMed 23975875; PubMed 27869827; PubMed 32964742.